The following is an entry in ClinVar:

ClinVar aggregate classification (germline): Uncertain significance (1 of 4 stars; one submission).

Conditions:
Congenital myasthenic syndrome 8. Also called: Myasthenic syndrome, congenital, 8, with pre- and postsynaptic defects; MYASTHENIC SYNDROME, CONGENITAL, DUE TO AGRIN DEFICIENCY. Identifiers: Orphanet 590, MedGen C3808739, MONDO:0014052, OMIM 615120.

Allele frequency attached by ClinVar (database versions not stated): gnomAD exomes 0.00001.
gnomAD v4.1: 3 of 1,570,504 alleles (0.00019%); highest among the groups gnomAD compares: African/African-American, 0.0013%; no homozygotes.

Submission:

Labcorp Genetics (formerly Invitae), Labcorp
Classification: Uncertain significance for Congenital myasthenic syndrome 8. Last evaluated: 2022-07-19. Review status: criteria provided, single submitter. Criteria: Invitae Variant Classification Sherloc (09022015). Collection method: clinical testing. Allele origin: germline.
Comment: In summary, the available evidence is currently insufficient to determine the role of this variant in disease. Therefore, it has been classified as a Variant of Uncertain Significance. Algorithms developed to predict the effect of missense changes on protein structure and function (SIFT, PolyPhen-2, Align-GVGD) all suggest that this variant is likely to be tolerated. ClinVar contains an entry for this variant (Variation ID: 1409940). This variant has not been reported in the literature in individuals affected with AGRN-related conditions. This variant is not present in population databases (gnomAD no frequency). This sequence change replaces proline, which is neutral and non-polar, with serine, which is neutral and polar, at codon 1289 of the AGRN protein (p.Pro1289Ser).

NM_198576.4(AGRN):c.3865C>T (p.Pro1289Ser)

Gene: AGRN (agrin; plus strand). Cytogenetic location: 1p36.33.
Variant type: single nucleotide variant.
Coding change: c.3865C>T on transcript NM_198576.4 (MANE Select); coding-DNA position 3865, C replaced by T.
Protein change: p.Pro1289Ser; replaces proline 1289 with serine.
Molecular consequence: missense variant.
Genome position (GRCh38, 1-based): chr1:1,048,125, C>T. VCF-style: chr1-1048125-C-T. GRCh37 (hg19) VCF-style: chr1-983505-C-T.
Other names: c.3865C>T, p.Pro1289Ser (NM_001305275.2); c.3550C>T, p.Pro1184Ser (NM_001364727.2); short protein forms P1289S, P1184S.
Identifiers: ClinVar variation 1409940 (VCV001409940.6), dbSNP rs2100668078, ClinGen allele CA337852764.
Genomic context (GRCh38, chr1:1,048,125, plus strand): 5'-GCCACGGCCAGAGCCACCACTGCATCGCGCCTGCCGTCCTCTGCTGTGACCCCTCGGGCC[C>T]CGCACCCCAGTCACACAAGCCAGCCCGTTGCCAAGACCACGGCAGCCCCCACCACACGTC-3'
Protein context (NP_940978.2, residues 1279-1299): LPSSAVTPRA[Pro1289Ser]HPSHTSQPVA